The following is an entry in ClinVar:

NM_032383.5(HPS3):c.307C>T (p.Arg103Cys)

Gene: HPS3 (HPS3 biogenesis of lysosomal organelles complex 2 subunit 1; plus strand). Cytogenetic location: 3q24.
Variant type: single nucleotide variant.
Coding change: c.307C>T on transcript NM_032383.5 (MANE Select); coding-DNA position 307, C replaced by T.
Protein change: p.Arg103Cys; replaces arginine 103 with cysteine.
Molecular consequence: missense variant. On other transcripts: intron variant (1).
Genome position (GRCh38, 1-based): chr3:149,140,093, C>T. VCF-style: chr3-149140093-C-T. GRCh37 (hg19) VCF-style: chr3-148857880-C-T.
Other names: c.218-924C>T (NM_001308258.2); short protein forms R103C.
Identifiers: ClinVar variation 2137428 (VCV002137428.1), dbSNP rs541164156, ClinGen allele CA2659775.
Genomic context (GRCh38, chr3:149,140,093, plus strand): 5'-AACAAAGCTACATTTCTACGTGCTTATGTGAACTGGAGAAATAAAAGGACTGAAAACTCT[C>T]GTGTGTGTATCCGAATGATTGGGCATAATGTGGAGGGACCATTCAGCAAAGCCTTCAGAG-3'
Protein context (NP_115759.2, residues 93-113): NWRNKRTENS[Arg103Cys]VCIRMIGHNV

ClinVar aggregate classification (germline): Uncertain significance (1 of 4 stars; one submission).

Allele frequency attached by ClinVar (database versions not stated): ExAC 0.00002; gnomAD 0.00002; 1000 Genomes Project 30x 0.00016; 1000 Genomes Project 0.00020.
gnomAD v4.1: 22 of 1,613,104 alleles (0.0014%); highest among the groups gnomAD compares: African/African-American, 0.0053%; no homozygotes.

Submission:

Labcorp Genetics (formerly Invitae), Labcorp
Classification: Uncertain significance. Last evaluated: 2022-03-04. Review status: criteria provided, single submitter. Criteria: Invitae Variant Classification Sherloc (09022015). Collection method: clinical testing. Allele origin: germline.
Comment: This sequence change replaces arginine, which is basic and polar, with cysteine, which is neutral and slightly polar, at codon 103 of the HPS3 protein (p.Arg103Cys). This variant is present in population databases (rs541164156, gnomAD 0.004%). This variant has not been reported in the literature in individuals affected with HPS3-related conditions. Algorithms developed to predict the effect of missense changes on protein structure and function are either unavailable or do not agree on the potential impact of this missense change (SIFT: "Deleterious"; PolyPhen-2: "Probably Damaging"; Align-GVGD: "Class C0"). In summary, the available evidence is currently insufficient to determine the role of this variant in disease. Therefore, it has been classified as a Variant of Uncertain Significance.